The following is an entry in ClinVar:

NM_001127511.3(APC):c.-109C>G

Gene: APC (APC regulator of Wnt signaling pathway; plus strand). Cytogenetic location: 5q22.2.
Variant type: single nucleotide variant.
Coding change: c.-109C>G on transcript NM_001127511.3; 109 bases upstream of the start codon, C replaced by G.
Molecular consequence: 5 prime UTR variant. On other transcripts: non-coding transcript variant (2).
Genome position (GRCh38, 1-based): chr5:112,707,609, C>G. VCF-style: chr5-112707609-C-G. GRCh37 (hg19) VCF-style: chr5-112043306-C-G.
Other names: c.-59C>G (NM_001407457.1, NM_001407458.1, NM_001407448.1 and 1 more transcripts); c.-292C>G (NM_001407460.1, NM_001407469.1, NM_001354895.2 and 3 more transcripts); c.-1327C>G (NM_001407470.1, NM_001407472.1); c.-109C>G (NM_001354897.2, NM_001354902.2, NM_001407446.1); c.-83C>G (NM_001407453.1).
Identifiers: ClinVar variation 469820 (VCV000469820.42), dbSNP rs761634030, ClinGen allele CA124925030.

ClinVar aggregate classification (germline): Benign/Likely benign. Review status: criteria provided, multiple submitters, no conflicts (2 of 4 stars). 4 submissions from 4 submitters: Benign (3); Likely benign (1). Last evaluated 2026-04-01.

Conditions:
Familial adenomatous polyposis 1 (FAP1). Also called: FAMILIAL ADENOMATOUS POLYPOSIS 1, ATTENUATED; POLYPOSIS, ADENOMATOUS INTESTINAL. Identifiers: MedGen C2713442, MONDO:0021056, OMIM 175100. Disease mechanism: loss of function.

Allele frequency attached by ClinVar (database versions not stated): gnomAD 0.00013; TOPMed 0.00037.
gnomAD v4.1: 260 of 1,220,716 alleles (0.021%); highest among the groups gnomAD compares: Admixed American, 0.083%; 2 homozygotes.

Submissions (4):

CeGaT Center for Human Genetics Tuebingen
Classification: Benign. Last evaluated: 2026-04-01. Review status: criteria provided, single submitter. Criteria: CeGaT Center For Human Genetics Tuebingen Variant Classification Criteria Version 2. Collection method: clinical testing. Allele origin: germline. Affected: yes. Observed: 15 variant alleles.
Comment: APC: BS1, BS2

Labcorp Genetics (formerly Invitae), Labcorp
Classification: Benign for Familial adenomatous polyposis 1. Last evaluated: 2026-02-01. Review status: criteria provided, single submitter. Criteria: Invitae Variant Classification Sherloc (09022015). Collection method: clinical testing. Allele origin: germline.

Center for Genomic Medicine, Rigshospitalet, Copenhagen University Hospital
Classification: Benign. Last evaluated: 2025-03-04. Review status: criteria provided, single submitter. Criteria: ACMG Guidelines, 2015. Collection method: clinical testing. Allele origin: germline.

Blueprint Genetics
Classification: Likely benign. Last evaluated: 2024-11-25. Review status: criteria provided, single submitter. Criteria: ACMG Guidelines, 2015. Collection method: clinical testing. Allele origin: germline.